The following is an entry in ClinVar:

NM_022552.5(DNMT3A):c.640-3717G>A

Gene: DNMT3A (DNA methyltransferase 3 alpha; minus strand). Cytogenetic location: 2p23.3.
Variant type: single nucleotide variant.
Coding change: c.640-3717G>A on transcript NM_022552.5 (MANE Select); 3717 bases into the intron before coding-DNA position 640, G replaced by A.
Molecular consequence: intron variant. On other transcripts: synonymous variant (1).
Genome position (GRCh38, 1-based): chr2:25,251,969, C>T on the plus strand (G>A on the coding strand, the complement: DNMT3A is on the minus strand). VCF-style: chr2-25251969-C-T. GRCh37 (hg19) VCF-style: chr2-25474838-C-T.
Other names: c.126G>A, p.Gln42= (NM_001320893.1); c.640-3717G>A (NM_175629.2); c.4+225G>A (NM_153759.3); c.-31+225G>A (NM_001375819.1).
Identifiers: ClinVar variation 3036455 (VCV003036455.2), dbSNP rs575886785, ClinGen allele CA43709389.

ClinVar aggregate classification (germline): Likely benign (0 of 4 stars; one submission).

Conditions:
DNMT3A-related disorder. Also called: DNMT3A-related disorders; DNMT3A-related condition.

Allele frequency attached by ClinVar (database versions not stated): gnomAD 0.00005; TOPMed 0.00005; gnomAD exomes 0.00013.
gnomAD v4.1: 56 of 530,462 alleles (0.011%); highest among the groups gnomAD compares: Non-Finnish European, 0.017%; no homozygotes.

Submission:

PreventionGenetics, part of Exact Sciences
Classification: Likely benign for DNMT3A-related condition. Last evaluated: 2021-12-08. Review status: no assertion criteria provided. Collection method: clinical testing. Allele origin: germline.
Comment: This variant is classified as likely benign based on ACMG/AMP sequence variant interpretation guidelines (Richards et al. 2015 PMID: 25741868, with internal and published modifications).